The following is an entry in ClinVar:

ClinVar aggregate classification (germline): Pathogenic (1 of 4 stars; one submission).

Conditions:
Hereditary cancer-predisposing syndrome. Also called: Neoplastic Syndromes, Hereditary; Tumor predisposition; Hereditary Cancer Syndrome; Hereditary neoplastic syndrome. Identifiers: Orphanet 140162, MedGen C0027672, MeSH D009386, MONDO:0015356.

Submission:

Ambry Genetics
Classification: Pathogenic for Hereditary cancer-predisposing syndrome. Last evaluated: 2026-03-23. Review status: criteria provided, single submitter. Criteria: Ambry Variant Classification Scheme 2023. Collection method: clinical testing. Allele origin: germline.
Comment: The c.2439delT pathogenic mutation, located in coding exon 10 of the BRCA2 gene, results from a deletion of one nucleotide at nucleotide position 2439, causing a translational frameshift with a predicted alternate stop codon (p.M815Wfs*10). This variant is considered to be rare based on population cohorts in the Genome Aggregation Database (gnomAD). This alteration is expected to result in loss of function by premature protein truncation or nonsense-mediated mRNA decay. As such, this alteration is interpreted as a disease-causing mutation.

NM_000059.4(BRCA2):c.2439del (p.Met815fs)

Gene: BRCA2 (BRCA2 DNA repair associated; plus strand). Cytogenetic location: 13q13.1.
Variant type: Deletion.
Coding change: c.2439del on transcript NM_000059.4 (MANE Select); coding-DNA position 2439, one base deleted (T; older notation c.2439delT).
Protein change: p.Met815fs; shifts the reading frame from methionine 815.
Molecular consequence: frameshift variant. On other transcripts: non-coding transcript variant (1), intron variant (2).
Genome position (GRCh38, 1-based): chr13:32,336,794, T deleted; the last of 2 consecutive T bases (chr13:32,336,793-32,336,794); deleting either gives the same sequence. VCF-style (leftmost placement, unchanged base first): chr13-32336792-AT-A. GRCh37 (hg19) VCF-style: chr13-32910929-AT-A.
Other names: c.2439del, p.Met815fs (NM_001406719.1, NM_001406720.1, NM_001432077.1); c.1909+3407del (NM_001406721.1); c.424+5764del (NM_001406722.1); short protein forms M815fs.
Identifiers: ClinVar variation 4867786 (VCV004867786.1).
Genomic context (GRCh38, chr13:32,336,792, plus strand): 5'-AAAATGTCAGACAAGCTCAAAGGTAACAATTATGAATCTGATGTTGAATTAACCAAAAAT[AT>A]TCCCATGGAAAAGAATCAAGATGTATGTGCTTTAAATGAAAATTATAAAAACGTTGAGCT-3'